The following is an entry in ClinVar:

ClinVar aggregate classification (germline): Likely benign. Review status: criteria provided, multiple submitters, no conflicts (2 of 4 stars). 2 submissions from 2 submitters: Likely benign (2). Last evaluated 2023-10-24.

Conditions:
Nemaline myopathy 2 (NEM2). Also called: Nemaline myopathy 2, autosomal recessive. Identifiers: MedGen C1850569, MONDO:0009725, OMIM 256030.

Allele frequency attached by ClinVar (database versions not stated): gnomAD exomes 0.00002.
gnomAD v4.1: 32 of 1,613,924 alleles (0.002%); highest among the groups gnomAD compares: Middle Eastern, 0.016%; no homozygotes.

Submissions (2):

Labcorp Genetics (formerly Invitae), Labcorp
Classification: Likely benign for Nemaline myopathy 2. Last evaluated: 2023-10-24. Review status: criteria provided, single submitter. Criteria: Invitae Variant Classification Sherloc (09022015). Collection method: clinical testing. Allele origin: germline.

GeneDx
Classification: Likely benign. Last evaluated: 2016-09-08. Review status: criteria provided, single submitter. Criteria: GeneDx Variant Classification (06012015). Collection method: clinical testing. Allele origin: germline. Affected: yes.
Comment: This variant is considered likely benign or benign based on one or more of the following criteria: it is a conservative change, it occurs at a poorly conserved position in the protein, it is predicted to be benign by multiple in silico algorithms, and/or has population frequency not consistent with disease.

NM_001164508.2(NEB):c.8064T>C (p.His2688=)

Gene: NEB (nebulin; minus strand). Cytogenetic location: 2q23.3.
Variant type: single nucleotide variant.
Coding change: c.8064T>C on transcript NM_001164508.2 (MANE Select); coding-DNA position 8064, T replaced by C.
Protein change: p.His2688=; no amino-acid change (histidine 2688 retained).
Molecular consequence: synonymous variant.
Genome position (GRCh38, 1-based): chr2:151,643,246, A>G on the plus strand (T>C on the coding strand, the complement: NEB is on the minus strand). VCF-style: chr2-151643246-A-G. GRCh37 (hg19) VCF-style: chr2-152499760-A-G.
Other names: c.8064T>C, p.His2688= (NM_001164507.2, NM_001271208.2, NM_004543.5).
Identifiers: ClinVar variation 389218 (VCV000389218.8), dbSNP rs1057523363, ClinGen allele CA16603988.